The following is an entry in ClinVar:

NM_016151.4(TAOK2):c.1000-5C>T

Gene: TAOK2 (TAO kinase 2; plus strand). Cytogenetic location: 16p11.2.
Variant type: single nucleotide variant.
Coding change: c.1000-5C>T on transcript NM_016151.4 (MANE Select); 5 bases into the intron before coding-DNA position 1000, C replaced by T.
Molecular consequence: intron variant.
Genome position (GRCh38, 1-based): chr16:29,983,067, C>T. VCF-style: chr16-29983067-C-T. GRCh37 (hg19) VCF-style: chr16-29994388-C-T.
Other names: c.1000-5C>T (NM_004783.4, NM_001252043.2, NM_016151.3).
Identifiers: ClinVar variation 1544997 (VCV001544997.10), dbSNP rs200782919, ClinGen allele CA7998018.

ClinVar aggregate classification (germline): Likely benign. Review status: criteria provided, single submitter (1 of 4 stars). 2 submissions from 2 submitters: Likely benign (1). 1 of the submissions does not count toward it. Last evaluated 2025-12-15.

Conditions:
TAOK2-related disorder. Also called: TAOK2-related condition.

Allele frequency attached by ClinVar (database versions not stated): 1000 Genomes Project 30x 0.00016; 1000 Genomes Project 0.00020; ESP Exome Variant Server 0.00038; gnomAD 0.00043 and 0.00045; TOPMed 0.00043; ExAC 0.00050; gnomAD exomes 0.00052.
gnomAD v4.1: 1,113 of 1,613,840 alleles (0.069%); highest among the groups gnomAD compares: Non-Finnish European, 0.081%; 2 homozygotes.

Submissions (2):

Labcorp Genetics (formerly Invitae), Labcorp
Classification: Likely benign. Last evaluated: 2025-12-15. Review status: criteria provided, single submitter. Criteria: Invitae Variant Classification Sherloc (09022015). Collection method: clinical testing. Allele origin: germline.

PreventionGenetics, part of Exact Sciences
Classification: Likely benign for TAOK2-related condition. Last evaluated: 2024-02-01. Review status: no assertion criteria provided. Collection method: clinical testing. Allele origin: germline. Not counted in ClinVar's aggregate classification.
Comment: This variant is classified as likely benign based on ACMG/AMP sequence variant interpretation guidelines (Richards et al. 2015 PMID: 25741868, with internal and published modifications).